The following is an entry in ClinVar:

NM_006939.4(SOS2):c.1156G>C (p.Asp386His)

Gene: SOS2 (SOS Ras/Rho guanine nucleotide exchange factor 2; minus strand). Cytogenetic location: 14q21.3.
Variant type: single nucleotide variant.
Coding change: c.1156G>C on transcript NM_006939.4 (MANE Select); coding-DNA position 1156, G replaced by C.
Protein change: p.Asp386His; replaces aspartic acid 386 with histidine.
Molecular consequence: missense variant.
Genome position (GRCh38, 1-based): chr14:50,161,522, C>G on the plus strand (G>C on the coding strand, the complement: SOS2 is on the minus strand). VCF-style: chr14-50161522-C-G. GRCh37 (hg19) VCF-style: chr14-50628240-C-G.
Other names: short protein forms D386H.
Identifiers: ClinVar variation 1331406 (VCV001331406.14), dbSNP rs776909576, ClinGen allele CA7177333.

ClinVar aggregate classification (germline): Uncertain significance. Review status: criteria provided, multiple submitters, no conflicts (2 of 4 stars). 4 submissions from 4 submitters: Uncertain significance (4). Last evaluated 2025-09-25.

Conditions:
Cardiovascular phenotype. Identifiers: MedGen CN230736.
Noonan syndrome 9 (NS9). Identifiers: Orphanet 648, MedGen C4225282, MONDO:0014691, OMIM 616559.

Allele frequency attached by ClinVar (database versions not stated): ExAC 0.00002; gnomAD 0.00002; gnomAD exomes 0.00002 and 0.00005; TOPMed 0.00002.

Submissions (4):

Ambry Genetics
Classification: Uncertain significance for Cardiovascular phenotype. Last evaluated: 2025-09-25. Review status: criteria provided, single submitter. Criteria: Ambry Variant Classification Scheme 2023. Collection method: clinical testing. Allele origin: germline.
Comment: The p.D386H variant (also known as c.1156G>C), located in coding exon 9 of the SOS2 gene, results from a G to C substitution at nucleotide position 1156. The aspartic acid at codon 386 is replaced by histidine, an amino acid with similar properties. This amino acid position is conserved. In addition, the in silico prediction for this alteration is inconclusive. Since supporting evidence is limited at this time, the clinical significance of this alteration remains unclear.

Labcorp Genetics (formerly Invitae), Labcorp
Classification: Uncertain significance for Noonan syndrome 9. Last evaluated: 2024-05-22. Review status: criteria provided, single submitter. Criteria: Invitae Variant Classification Sherloc (09022015). Collection method: clinical testing. Allele origin: germline.
Comment: This sequence change replaces aspartic acid, which is acidic and polar, with histidine, which is basic and polar, at codon 386 of the SOS2 protein (p.Asp386His). This variant is present in population databases (rs776909576, gnomAD 0.006%). This variant has not been reported in the literature in individuals affected with SOS2-related conditions. ClinVar contains an entry for this variant (Variation ID: 1331406). Advanced modeling of protein sequence and biophysical properties (such as structural, functional, and spatial information, amino acid conservation, physicochemical variation, residue mobility, and thermodynamic stability) performed at Invitae indicates that this missense variant is not expected to disrupt SOS2 protein function with a negative predictive value of 80%. Algorithms developed to predict the effect of sequence changes on RNA splicing suggest that this variant may create or strengthen a splice site. In summary, the available evidence is currently insufficient to determine the role of this variant in disease. Therefore, it has been classified as a Variant of Uncertain Significance.

Women's Health and Genetics/Laboratory Corporation of America, LabCorp
Classification: Uncertain significance. Last evaluated: 2021-12-14. Review status: criteria provided, single submitter. Criteria: LabCorp Variant Classification Summary - May 2015. Collection method: clinical testing. Allele origin: germline.

Genome-Nilou Lab
Classification: Uncertain significance for Noonan syndrome 9. Review status: criteria provided, single submitter. Criteria: ACMG Guidelines, 2015. Collection method: clinical testing. Allele origin: germline.